The following is an entry in ClinVar:

NC_000020.10:g.(?_35559143)_(35575227_?)dup

Gene: SAMHD1 (SAM and HD domain containing deoxynucleoside triphosphate triphosphohydrolase 1; minus strand). Cytogenetic location: 20q11.23.
Variant type: Duplication.
Identifiers: ClinVar variation 2426165 (VCV002426165.3).

ClinVar aggregate classification (germline): Uncertain significance (1 of 4 stars; one submission).

Conditions:
Aicardi-Goutieres syndrome 5. Identifiers: Orphanet 51, MedGen C2749659, MONDO:0013059, OMIM 612952.

Submission:

Labcorp Genetics (formerly Invitae), Labcorp
Classification: Uncertain significance for Aicardi-Goutieres syndrome 5. Last evaluated: 2022-06-07. Review status: criteria provided, single submitter. Criteria: Invitae Variant Classification Sherloc (09022015). Collection method: clinical testing. Allele origin: germline.
Comment: This variant results in a copy number gain of the genomic region encompassing exon(s) 2-5 of the SAMHD1 gene. While the exact position of this variant cannot be determined from the data, sub-genic copy number gains are generally in tandem (PMID: 25640679). This variant is predicted to be in-frame, and likely preserves the integrity of the reading frame. This variant has not been reported in the literature in individuals affected with SAMHD1-related conditions. Experimental studies and prediction algorithms are not available or were not evaluated, and the functional significance of this variant is currently unknown. In summary, the available evidence is currently insufficient to determine the role of this variant in disease. Therefore, it has been classified as a Variant of Uncertain Significance.

Literature cited by the submitters: PubMed 25640679.